The following is an entry in ClinVar:

ClinVar aggregate classification (germline): Uncertain significance (1 of 4 stars; one submission).

Submission:

GeneDx
Classification: Uncertain significance. Last evaluated: 2024-09-17. Review status: criteria provided, single submitter. Criteria: GeneDx Variant Classification Process June 2021. Collection method: clinical testing. Allele origin: germline. Affected: yes.
Comment: Not observed at significant frequency in large population cohorts (gnomAD); In silico analysis indicates that this missense variant does not alter protein structure/function; Has not been previously published as pathogenic or benign to our knowledge

NM_020987.5(ANK3):c.6664A>G (p.Lys2222Glu)

Gene: ANK3 (ankyrin 3; minus strand). Cytogenetic location: 10q21.2.
Variant type: single nucleotide variant.
Coding change: c.6664A>G on transcript NM_020987.5 (MANE Select); coding-DNA position 6664, A replaced by G.
Protein change: p.Lys2222Glu; replaces lysine 2222 with glutamic acid.
Molecular consequence: missense variant. On other transcripts: intron variant (4).
Genome position (GRCh38, 1-based): chr10:60,074,217, T>C on the plus strand (A>G on the coding strand, the complement: ANK3 is on the minus strand). VCF-style: chr10-60074217-T-C. GRCh37 (hg19) VCF-style: chr10-61833975-T-C.
Other names: c.4388-6208A>G (NM_001204403.2); c.4409-6208A>G (NM_001204404.2); c.4406-6208A>G (NM_001320874.2); c.1808-6208A>G (NM_001149.4); short protein forms K2222E.
Identifiers: ClinVar variation 3774051 (VCV003774051.1).
Genomic context (GRCh38, chr10:60,074,217, plus strand): 5'-CTTTAACACGCATGCCTTTGCTTAAAACCCGATTGTGGTCATCTTCTTCACTACTGGCTT[T>C]CATTTGAAATGCTTTAACCTTTTCTTTAATACTAGAGGTGGTGGGCTTTGGTTCCAATTC-3'
Protein context (NP_066267.2, residues 2212-2232): IKEKVKAFQM[Lys2222Glu]ASSEEDDHNR